The following is an entry in ClinVar:

NM_005751.5(AKAP9):c.3256G>A (p.Ala1086Thr)

Gene: AKAP9 (A-kinase anchoring protein 9; plus strand). Cytogenetic location: 7q21.2.
Variant type: single nucleotide variant.
Coding change: c.3256G>A on transcript NM_005751.5 (MANE Select); coding-DNA position 3256, G replaced by A.
Protein change: p.Ala1086Thr; replaces alanine 1086 with threonine.
Molecular consequence: missense variant.
Genome position (GRCh38, 1-based): chr7:92,003,173, G>A. VCF-style: chr7-92003173-G-A. GRCh37 (hg19) VCF-style: chr7-91632487-G-A.
Other names: c.3256G>A, p.Ala1086Thr (NM_147185.3); short protein forms A1086T.
Identifiers: ClinVar variation 2869262 (VCV002869262.4), dbSNP rs754329751, ClinGen allele CA4336261.

ClinVar aggregate classification (germline): Conflicting classifications of pathogenicity. Review status: criteria provided, conflicting classifications (1 of 4 stars). 2 submissions from 2 submitters: Uncertain significance (1); Likely benign (1). Last evaluated 2024-11-21.

Conditions:
Cardiovascular phenotype. Identifiers: MedGen CN230736.
Long QT syndrome (LQTS). Identifiers: MedGen C0023976, MeSH D008133, MONDO:0002442. Disease mechanism: loss of function. Inheritance: Various modes of inheritance.

Allele frequency attached by ClinVar (database versions not stated): gnomAD exomes below 0.00001; ExAC 0.00001; gnomAD 0.00001; TOPMed 0.00001.
gnomAD v4.1: 2 of 1,611,402 alleles (0.00012%); highest among the groups gnomAD compares: Non-Finnish European, 0.00017%; no homozygotes.

Submissions (2):

Ambry Genetics
Classification: Likely benign for Cardiovascular phenotype. Last evaluated: 2024-11-21. Review status: criteria provided, single submitter. Criteria: Ambry Variant Classification Scheme 2023. Collection method: clinical testing. Allele origin: germline.

Labcorp Genetics (formerly Invitae), Labcorp
Classification: Uncertain significance for Long QT syndrome. Last evaluated: 2023-05-30. Review status: criteria provided, single submitter. Criteria: Invitae Variant Classification Sherloc (09022015). Collection method: clinical testing. Allele origin: germline.
Comment: In summary, the available evidence is currently insufficient to determine the role of this variant in disease. Therefore, it has been classified as a Variant of Uncertain Significance. Algorithms developed to predict the effect of missense changes on protein structure and function output the following: SIFT: "Not Available"; PolyPhen-2: "Benign"; Align-GVGD: "Not Available". The threonine amino acid residue is found in multiple mammalian species, which suggests that this missense change does not adversely affect protein function. This variant has not been reported in the literature in individuals affected with AKAP9-related conditions. This variant is present in population databases (rs754329751, gnomAD 0.0009%). This sequence change replaces alanine, which is neutral and non-polar, with threonine, which is neutral and polar, at codon 1086 of the AKAP9 protein (p.Ala1086Thr).